The following is an entry in ClinVar:

ClinVar aggregate classification (germline): Uncertain significance. Review status: criteria provided, multiple submitters, no conflicts (2 of 4 stars). 3 submissions from 3 submitters: Uncertain significance (3). Last evaluated 2025-10-27.

Conditions:
MAGEL2-related disorder. Also called: MAGEL2-related condition.
Inborn genetic diseases. Identifiers: MedGen C0950123, MeSH D030342.

Allele frequency attached by ClinVar (database versions not stated): ExAC 0.00001; gnomAD exomes 0.00001; TOPMed 0.00002; gnomAD 0.00004.

Submissions (3):

PreventionGenetics, part of Exact Sciences
Classification: Uncertain significance for MAGEL2-related condition. Last evaluated: 2025-10-27. Review status: criteria provided, single submitter. Criteria: ACMG Guidelines, 2015. Collection method: clinical testing. Allele origin: germline.
Comment: The MAGEL2 c.3239T>C variant is predicted to result in the amino acid substitution p.Ile1080Thr. To our knowledge, this variant has not been reported in the literature. This variant is reported in 0.0028% of alleles in individuals of Latino descent in gnomAD. At this time, the clinical significance of this variant is uncertain due to the absence of conclusive functional and genetic evidence.

Ambry Genetics
Classification: Uncertain significance for Inborn genetic diseases. Last evaluated: 2025-08-28. Review status: criteria provided, single submitter. Criteria: Ambry Variant Classification Scheme 2023. Collection method: clinical testing. Allele origin: germline.

Labcorp Genetics (formerly Invitae), Labcorp
Classification: Uncertain significance. Last evaluated: 2024-11-18. Review status: criteria provided, single submitter. Criteria: Invitae Variant Classification Sherloc (09022015). Collection method: clinical testing. Allele origin: germline.
Comment: This sequence change replaces isoleucine, which is neutral and non-polar, with threonine, which is neutral and polar, at codon 1080 of the MAGEL2 protein (p.Ile1080Thr). This variant is present in population databases (rs777601864, gnomAD 0.003%). This variant has not been reported in the literature in individuals affected with MAGEL2-related conditions. ClinVar contains an entry for this variant (Variation ID: 2991439). Invitae Evidence Modeling of protein sequence and biophysical properties (such as structural, functional, and spatial information, amino acid conservation, physicochemical variation, residue mobility, and thermodynamic stability) indicates that this missense variant is not expected to disrupt MAGEL2 protein function with a negative predictive value of 80%. In summary, the available evidence is currently insufficient to determine the role of this variant in disease. Therefore, it has been classified as a Variant of Uncertain Significance.

NM_019066.5(MAGEL2):c.3239T>C (p.Ile1080Thr)

Gene: MAGEL2 (MAGE family member L2; minus strand). Cytogenetic location: 15q11.2.
Variant type: single nucleotide variant.
Coding change: c.3239T>C on transcript NM_019066.5 (MANE Select); coding-DNA position 3239, T replaced by C.
Protein change: p.Ile1080Thr; replaces isoleucine 1080 with threonine.
Molecular consequence: missense variant.
Genome position (GRCh38, 1-based): chr15:23,644,504, A>G on the plus strand (T>C on the coding strand, the complement: MAGEL2 is on the minus strand). VCF-style: chr15-23644504-A-G. GRCh37 (hg19) VCF-style: chr15-23889651-A-G.
Other names: c.3239T>C (NM_019066.4); short protein forms I1080T.
Identifiers: ClinVar variation 2991439 (VCV002991439.5), dbSNP rs777601864, ClinGen allele CA7429719.